The following is an entry in ClinVar:

ClinVar aggregate classification (germline): Pathogenic. Review status: criteria provided, multiple submitters, no conflicts (2 of 4 stars). 3 submissions from 3 submitters: Pathogenic (3). Last evaluated 2023-09-06.

Conditions:
Hereditary cancer-predisposing syndrome. Also called: Hereditary Cancer Syndrome; Hereditary neoplastic syndrome; Tumor predisposition; Neoplastic Syndromes, Hereditary. Identifiers: Orphanet 140162, MedGen C0027672, MeSH D009386, MONDO:0015356.
Familial cancer of breast. Also called: BREAST CANCER, FAMILIAL; Hereditary breast cancer; hereditary breast carcinoma. Identifiers: Orphanet 227535, MedGen C0346153, MONDO:0016419, OMIM 114480. Disease mechanism: loss of function.

Allele frequency attached by ClinVar (database versions not stated): gnomAD exomes below 0.00001.

Submissions (3):

Myriad Genetics, Inc.
Classification: Pathogenic for Familial cancer of breast. Last evaluated: 2023-09-06. Review status: criteria provided, single submitter. Criteria: Myriad Autosomal Dominant, Autosomal Recessive and X-Linked Classification Criteria (2023). Collection method: clinical testing. Allele origin: unknown.
Comment: This variant is considered pathogenic. This variant creates a frameshift predicted to result in premature protein truncation.

Labcorp Genetics (formerly Invitae), Labcorp
Classification: Pathogenic for Familial cancer of breast. Last evaluated: 2022-12-29. Review status: criteria provided, single submitter. Criteria: Invitae Variant Classification Sherloc (09022015). Collection method: clinical testing. Allele origin: germline.
Comment: This variant is not present in population databases (gnomAD no frequency). This sequence change creates a premature translational stop signal (p.His83Glnfs*94) in the PALB2 gene. It is expected to result in an absent or disrupted protein product. Loss-of-function variants in PALB2 are known to be pathogenic (PMID: 17200668, 17200671, 17200672, 24136930, 25099575). This variant has not been reported in the literature in individuals affected with PALB2-related conditions. ClinVar contains an entry for this variant (Variation ID: 1792179). For these reasons, this variant has been classified as Pathogenic.

Ambry Genetics
Classification: Pathogenic for Hereditary cancer-predisposing syndrome. Last evaluated: 2021-02-23. Review status: criteria provided, single submitter. Criteria: Ambry Variant Classification Scheme 2023. Collection method: clinical testing. Allele origin: germline.
Comment: The c.249delC pathogenic mutation, located in coding exon 4 of the PALB2 gene, results from a deletion of one nucleotide at nucleotide position 249, causing a translational frameshift with a predicted alternate stop codon (p.H83Qfs*94). This alteration is expected to result in loss of function by premature protein truncation or nonsense-mediated mRNA decay. As such, this alteration is interpreted as a disease-causing mutation.

Literature cited by the submitters: PubMed 17200668 (cited by Labcorp Genetics (formerly Invitae), Labcorp); PubMed 17200671 (cited by Labcorp Genetics (formerly Invitae), Labcorp); PubMed 17200672 (cited by Labcorp Genetics (formerly Invitae), Labcorp); PubMed 24136930 (cited by Labcorp Genetics (formerly Invitae), Labcorp); PubMed 25099575 (cited by Labcorp Genetics (formerly Invitae), Labcorp).

NM_024675.4(PALB2):c.249del (p.His83fs)

Gene: PALB2 (partner and localizer of BRCA2; minus strand). Cytogenetic location: 16p12.2.
Variant type: Deletion.
Coding change: c.249del on transcript NM_024675.4 (MANE Select); coding-DNA position 249, one base deleted (C; older notation c.249delC).
Protein change: p.His83fs; shifts the reading frame from histidine 83.
Molecular consequence: frameshift variant.
Genome position (GRCh38, 1-based): chr16:23,636,297, G deleted on the plus strand (C on the coding strand, the reverse complement: PALB2 is on the minus strand). VCF-style (leftmost placement, unchanged base first): chr16-23636296-TG-T. GRCh37 (hg19) VCF-style: chr16-23647617-TG-T.
Other names: c.189delC, p.His63Glnfs (NM_001407296.1); c.249delC, p.His83Glnfs (NM_001407297.1, NM_001407298.1, NM_001407299.1 and 3 more transcripts); c.-637delC (NM_001407304.1, NM_001407305.1, NM_001407306.1 and 5 more transcripts); short protein forms H83fs.
Identifiers: ClinVar variation 1792179 (VCV001792179.6), dbSNP rs2506519015, ClinGen allele CA2580091374.
Genomic context (GRCh38, chr16:23,636,296, plus strand): 5'-GCCCAACATCAAGTGTGATAGATGTCTTTTCTCCAGTTTCTTCATCAAGATGGGTTTTGA[TG>T]TGTAACTTGTCATAAACACATATTTTATTTTTAGGTTCTGAGGAGGAAAAAAATGTATAT-3'